The following is an entry in ClinVar:

ClinVar aggregate classification (germline): Uncertain significance. Review status: criteria provided, multiple submitters, no conflicts (2 of 4 stars). 2 submissions from 2 submitters: Uncertain significance (2). Last evaluated 2022-08-13.

Conditions:
Combined oxidative phosphorylation defect type 17. Also called: Combined oxidative phosphorylation deficiency 17. Identifiers: Orphanet 369913, MedGen C3809526, MONDO:0014190, OMIM 615440.

Allele frequency attached by ClinVar (database versions not stated): gnomAD 0.00001; gnomAD exomes 0.00001; ExAC 0.00002; TOPMed 0.00004.
gnomAD v4.1: 15 of 1,614,058 alleles (0.00093%); highest among the groups gnomAD compares: East Asian, 0.0089%; no homozygotes.

Submissions (2):

Labcorp Genetics (formerly Invitae), Labcorp
Classification: Uncertain significance for Combined oxidative phosphorylation defect type 17. Last evaluated: 2022-08-13. Review status: criteria provided, single submitter. Criteria: Invitae Variant Classification Sherloc (09022015). Collection method: clinical testing. Allele origin: germline.
Comment: Algorithms developed to predict the effect of missense changes on protein structure and function are either unavailable or do not agree on the potential impact of this missense change (SIFT: "Deleterious"; PolyPhen-2: "Probably Damaging"; Align-GVGD: "Class C0"). In summary, the available evidence is currently insufficient to determine the role of this variant in disease. Therefore, it has been classified as a Variant of Uncertain Significance. Algorithms developed to predict the effect of sequence changes on RNA splicing suggest that this variant may disrupt the consensus splice site. ClinVar contains an entry for this variant (Variation ID: 265120). This variant has not been reported in the literature in individuals affected with ELAC2-related conditions. This variant is present in population databases (rs775958815, gnomAD 0.003%). This sequence change replaces arginine, which is basic and polar, with cysteine, which is neutral and slightly polar, at codon 428 of the ELAC2 protein (p.Arg428Cys).

GeneDx
Classification: Uncertain significance. Last evaluated: 2016-08-12. Review status: criteria provided, single submitter. Criteria: GeneDx Variant Classification (06012015). Collection method: clinical testing. Allele origin: germline. Affected: yes.
Comment: The R428C variant in the ELAC2 gene has not been published as a pathogenic variant, nor has it been reported as a benign variant to our knowledge. The R428C variant was not observed in approximately 6,500 individuals of European and African American ancestry in the NHLBI Exome Sequencing Project, indicating it is not a common benign variant in these populations. The R428C variant is a non-conservative amino acid substitution, which is likely to impact secondary protein structure as these residues differ in polarity, charge, size and/or other properties. This substitution occurs at a position that is conserved across species. In silico analysis predicts this variant is probably damaging to the protein structure/function. We interpret R428C as a variant of uncertain significance.

NM_018127.7(ELAC2):c.1282C>T (p.Arg428Cys)

Gene: ELAC2 (elaC ribonuclease Z 2; minus strand). Cytogenetic location: 17p12.
Variant type: single nucleotide variant.
Coding change: c.1282C>T on transcript NM_018127.7 (MANE Select); coding-DNA position 1282, C replaced by T.
Protein change: p.Arg428Cys; replaces arginine 428 with cysteine.
Molecular consequence: missense variant.
Genome position (GRCh38, 1-based): chr17:13,002,296, G>A on the plus strand (C>T on the coding strand, the complement: ELAC2 is on the minus strand). VCF-style: chr17-13002296-G-A. GRCh37 (hg19) VCF-style: chr17-12905613-G-A.
Other names: c.1162C>T, p.Arg388Cys (NM_001165962.2); c.1279C>T, p.Arg427Cys (NM_173717.2); short protein forms R428C, R388C, R427C.
Identifiers: ClinVar variation 265120 (VCV000265120.4), dbSNP rs775958815, ClinGen allele CA8401284.